The following is an entry in ClinVar:

NM_152268.4(PARS2):c.1154C>T (p.Ala385Val)

Gene: PARS2 (prolyl-tRNA synthetase 2, mitochondrial; minus strand). Cytogenetic location: 1p32.3.
Variant type: single nucleotide variant.
Coding change: c.1154C>T on transcript NM_152268.4 (MANE Select); coding-DNA position 1154, C replaced by T.
Protein change: p.Ala385Val; replaces alanine 385 with valine.
Molecular consequence: missense variant.
Genome position (GRCh38, 1-based): chr1:54,758,008, G>A on the plus strand (C>T on the coding strand, the complement: PARS2 is on the minus strand). VCF-style: chr1-54758008-G-A. GRCh37 (hg19) VCF-style: chr1-55223681-G-A.
Other names: p.Ala385Val; short protein forms A385V.
Identifiers: ClinVar variation 1223582 (VCV001223582.43), dbSNP rs138970961, ClinGen allele CA869355.

ClinVar aggregate classification (germline): Benign/Likely benign. Review status: criteria provided, multiple submitters, no conflicts (2 of 4 stars). 6 submissions from 6 submitters: Benign (1); Likely benign (4). 1 of the submissions does not count toward it. Last evaluated 2025-12-27.

Conditions:
PARS2-related disorder.

Allele frequency attached by ClinVar (database versions not stated): gnomAD 0.00006 and 0.00007; ESP Exome Variant Server 0.00008; gnomAD exomes 0.00013 and 0.00055; TOPMed 0.00026; ExAC 0.00035.
gnomAD v4.1: 196 of 1,614,000 alleles (0.012%); highest among the groups gnomAD compares: Admixed American, 0.27%; 2 homozygotes.

Submissions (6):

Labcorp Genetics (formerly Invitae), Labcorp
Classification: Benign. Last evaluated: 2025-12-27. Review status: criteria provided, single submitter. Criteria: Invitae Variant Classification Sherloc (09022015). Collection method: clinical testing. Allele origin: germline.

CeGaT Center for Human Genetics Tuebingen
Classification: Likely benign. Last evaluated: 2025-06-01. Review status: criteria provided, single submitter. Criteria: CeGaT Center For Human Genetics Tuebingen Variant Classification Criteria Version 2. Collection method: clinical testing. Allele origin: germline. Affected: yes. Observed: 3 variant alleles.
Comment: PARS2: BP4, BS2

Mayo Clinic Laboratories, Mayo Clinic
Classification: Likely benign. Last evaluated: 2025-02-18. Review status: criteria provided, single submitter. Criteria: ACMG Guidelines, 2015. Collection method: clinical testing. Allele origin: germline. Observed: 1 variant allele.
Comment: BS1, BP4_moderate

Blueprint Genetics
Classification: Likely benign. Last evaluated: 2022-09-26. Review status: criteria provided, single submitter. Criteria: ACMG Guidelines, 2015. Collection method: clinical testing. Allele origin: germline.

GeneDx
Classification: Likely benign. Last evaluated: 2021-03-04. Review status: criteria provided, single submitter. Criteria: GeneDx Variant Classification Process June 2021. Collection method: clinical testing. Allele origin: germline. Affected: yes.

PreventionGenetics, part of Exact Sciences
Classification: Likely benign for PARS2-related condition. Last evaluated: 2022-06-07. Review status: no assertion criteria provided. Collection method: clinical testing. Allele origin: germline. Not counted in ClinVar's aggregate classification.
Comment: This variant is classified as likely benign based on ACMG/AMP sequence variant interpretation guidelines (Richards et al. 2015 PMID: 25741868, with internal and published modifications).